The following is an entry in ClinVar:

NC_000009.12:g.35658022_35658023insTCTCAGCTTCACAGAGTAGCCACGT

Gene: RMRP (RNA component of mitochondrial RNA processing endoribonuclease; minus strand). Cytogenetic location: 9p13.3.
Variant type: Insertion.
Genome position: GRCh38 VCF-style: chr9-35658016-A-ACCACGTTCTCAGCTTCACAGAGTAG. GRCh37 (hg19) VCF-style: chr9-35658013-A-ACCACGTTCTCAGCTTCACAGAGTAG.
Identifiers: ClinVar variation 1960249 (VCV001960249.5), dbSNP rs1554651364, ClinGen allele CA2580080462.

ClinVar aggregate classification (germline): Pathogenic (1 of 4 stars; one submission).

Conditions:
Anauxetic dysplasia. Identifiers: Orphanet 93347, MedGen C1846796, MONDO:0011773.

Submission:

Labcorp Genetics (formerly Invitae), Labcorp
Classification: Pathogenic for Anauxetic dysplasia. Last evaluated: 2022-08-23. Review status: criteria provided, single submitter. Criteria: Invitae Variant Classification Sherloc (09022015). Collection method: clinical testing. Allele origin: germline.
Comment: While functional studies for this variant have not been reported, experimental analyses using patient derived cells, as well as in vitro transfection studies, have shown that promoter insertions result in silencing of RMRP transcription and reduced expression of the gene product (PMID: 11207361, 16254002). While this particular variant has not been reported in the literature, it is located in the promoter region between the TATA box and the transcription initiation site, and other insertions and duplications immediately upstream of the coding sequence have been reported in individuals affected with cartilage-hair hypoplasia-anauxetic dysplasia (CHH-AD) spectrum disorders (PMID: 16244706, 11207361, 12107819). This variant is not present in population databases (gnomAD no frequency). This variant occurs in the RMRP gene, which encodes an RNA molecule that does not result in a protein product. Algorithms developed to predict the effect of sequence changes on RNA splicing suggest that this variant may disrupt the consensus splice site. For these reasons, this variant has been classified as Pathogenic.

Literature cited by the submitters: PubMed 11207361; PubMed 16254002; PubMed 16244706; PubMed 12107819.